The following is an entry in ClinVar:

ClinVar aggregate classification (germline): Uncertain significance (1 of 4 stars; one submission).

Conditions:
2-aminoadipic 2-oxoadipic aciduria (AAKAD). Also called: ALPHA-AMINOADIPIC AND ALPHA-KETOADIPIC ACIDURIA; Aminoadipic aciduria. Identifiers: Orphanet 79154, MedGen C1859817, MONDO:0008774, OMIM 204750.

Allele frequency attached by ClinVar (database versions not stated): gnomAD exomes below 0.00001; ExAC 0.00001.
gnomAD v4.1: 1 of 1,612,884 alleles (0.000062%); highest among the groups gnomAD compares: Admixed American, 0.0017%; no homozygotes.

Submission:

Labcorp Genetics (formerly Invitae), Labcorp
Classification: Uncertain significance for 2-aminoadipic 2-oxoadipic aciduria. Last evaluated: 2023-03-03. Review status: criteria provided, single submitter. Criteria: Invitae Variant Classification Sherloc (09022015). Collection method: clinical testing. Allele origin: germline.
Comment: This sequence change replaces leucine, which is neutral and non-polar, with phenylalanine, which is neutral and non-polar, at codon 17 of the DHTKD1 protein (p.Leu17Phe). This variant is present in population databases (rs771198330, gnomAD 0.006%). This variant has not been reported in the literature in individuals affected with DHTKD1-related conditions. An algorithm developed to predict the effect of missense changes on protein structure and function (PolyPhen-2) suggests that this variant is likely to be tolerated. In summary, the available evidence is currently insufficient to determine the role of this variant in disease. Therefore, it has been classified as a Variant of Uncertain Significance.

NM_018706.7(DHTKD1):c.49C>T (p.Leu17Phe)

Gene: DHTKD1 (dehydrogenase E1 and transketolase domain containing 1; plus strand). Cytogenetic location: 10p14.
Variant type: single nucleotide variant.
Coding change: c.49C>T on transcript NM_018706.7 (MANE Select); coding-DNA position 49, C replaced by T.
Protein change: p.Leu17Phe; replaces leucine 17 with phenylalanine.
Molecular consequence: missense variant.
Genome position (GRCh38, 1-based): chr10:12,069,082, C>T. VCF-style: chr10-12069082-C-T. GRCh37 (hg19) VCF-style: chr10-12111081-C-T.
Other names: short protein forms L17F.
Identifiers: ClinVar variation 2840809 (VCV002840809.3), dbSNP rs771198330, ClinGen allele CA5407421.
Genomic context (GRCh38, chr10:12,069,082, plus strand): 5'-CATCTGGTGAACATGGCCTCTGCTACTGCGGCAGCAGCACGACGGGGCCTCGGCCGGGCT[C>T]TCCCTCTCTTCTGGCGTGGCTACCAGACCGAGCGGGGCGTTTACGGCTACCGGCCGAGGA-3'
Protein context (NP_061176.4, residues 7-27): AAARRGLGRA[Leu17Phe]PLFWRGYQTE